The following is an entry in ClinVar:

NM_001352754.2(ARMC9):c.1395G>T (p.Leu465=)

Gene: ARMC9 (armadillo repeat containing 9; plus strand). Cytogenetic location: 2q37.1.
Variant type: single nucleotide variant.
Coding change: c.1395G>T on transcript NM_001352754.2 (MANE Select); coding-DNA position 1395, G replaced by T.
Protein change: p.Leu465=; no amino-acid change (leucine 465 retained).
Molecular consequence: synonymous variant. On other transcripts: non-coding transcript variant (1).
Genome position (GRCh38, 1-based): chr2:231,276,696, G>T. VCF-style: chr2-231276696-G-T. GRCh37 (hg19) VCF-style: chr2-232141409-G-T.
Other names: c.1395G>T, p.Leu465= (NM_001271466.4, NM_001291656.2, NM_001352755.2 and 3 more transcripts); c.1296G>T, p.Leu432= (NM_001352757.2, NM_001352758.2).
Identifiers: ClinVar variation 1943328 (VCV001943328.12), dbSNP rs1217119321, ClinGen allele CA431729994.
Genomic context (GRCh38, chr2:231,276,696, plus strand): 5'-GCGCCCGCTGCAGACAGCGATGATTCAAGACGGCCTCATCTTCTGGCTGGTTGATGTTCT[G>T]AAGGACCCTGACTGCCTGTCTGACTACACGCTGGAGTACTCGGTGGCTTTGCTCATGAAC-3'
Protein context (NP_001339683.2, residues 455-475): DGLIFWLVDV[Leu465=]KDPDCLSDYT

ClinVar aggregate classification (germline): Likely benign. Review status: criteria provided, multiple submitters, no conflicts (2 of 4 stars). 3 submissions from 3 submitters: Likely benign (3). Last evaluated 2025-11-03.

Allele frequency attached by ClinVar (database versions not stated): TOPMed below 0.00001.

Submissions (3):

Labcorp Genetics (formerly Invitae), Labcorp
Classification: Likely benign. Last evaluated: 2025-11-03. Review status: criteria provided, single submitter. Criteria: Invitae Variant Classification Sherloc (09022015). Collection method: clinical testing. Allele origin: germline.

CeGaT Center for Human Genetics Tuebingen
Classification: Likely benign. Last evaluated: 2025-10-01. Review status: criteria provided, single submitter. Criteria: CeGaT Center For Human Genetics Tuebingen Variant Classification Criteria Version 2. Collection method: clinical testing. Allele origin: germline. Affected: yes. Observed: 1 variant allele.
Comment: ARMC9: PM2:Supporting, BP4, BP7

Blueprint Genetics
Classification: Likely benign. Last evaluated: 2023-11-01. Review status: criteria provided, single submitter. Criteria: ACMG Guidelines, 2015. Collection method: clinical testing. Allele origin: germline.